The following is an entry in ClinVar:

ClinVar aggregate classification (germline): Conflicting classifications of pathogenicity. Review status: criteria provided, conflicting classifications (1 of 4 stars). 2 submissions from 2 submitters: Uncertain significance (1); Likely benign (1). Last evaluated 2022-12-01.

Conditions:
CBL-related disorder. Also called: NOONAN SYNDROME-LIKE DISORDER WITHOUT JUVENILE MYELOMONOCYTIC LEUKEMIA; CBL MUTATION-ASSOCIATED SYNDROME; CBL SYNDROME. Identifiers: Orphanet 363972, MedGen C3150803, MONDO:0013308, OMIM 613563.

Allele frequency attached by ClinVar (database versions not stated): 1000 Genomes Project 30x 0.00031; TOPMed 0.00059; gnomAD 0.00072 and 0.00077.
gnomAD v4.1: 266 of 398,734 alleles (0.067%); highest among the groups gnomAD compares: Middle Eastern, 0.13%; 1 homozygote.

Submissions (2):

CeGaT Center for Human Genetics Tuebingen
Classification: Likely benign. Last evaluated: 2022-12-01. Review status: criteria provided, single submitter. Criteria: CeGaT Center For Human Genetics Tuebingen Variant Classification Criteria Version 2. Collection method: clinical testing. Allele origin: germline. Affected: yes. Observed: 1 variant allele.
Comment: CBL: BS1

Illumina Laboratory Services, Illumina
Classification: Uncertain significance for CBL-related disorder. Last evaluated: 2018-01-13. Review status: criteria provided, single submitter. Criteria: ICSL Variant Classification Criteria 13 December 2019. Collection method: clinical testing. Allele origin: germline.

NM_005188.4(CBL):c.*6575G>C

Gene: CBL (Cbl proto-oncogene; plus strand). Cytogenetic location: 11q23.3.
Variant type: single nucleotide variant.
Coding change: c.*6575G>C on transcript NM_005188.4 (MANE Select); 6575 bases downstream of the stop codon, G replaced by C.
Molecular consequence: 3 prime UTR variant.
Genome position (GRCh38, 1-based): chr11:119,306,356, G>C. VCF-style: chr11-119306356-G-C. GRCh37 (hg19) VCF-style: chr11-119177066-G-C.
Identifiers: ClinVar variation 302887 (VCV000302887.29), dbSNP rs569180524, ClinGen allele CA10637961.
Genomic context (GRCh38, chr11:119,306,356, plus strand): 5'-CCAAAAGCCAACCTCAGATCTCCTGATTTGGCAGCTGAAGAAATCAGCAGAGTCCTGATT[G>C]CCTGATTCAGTCCCAAAAATGAATGTCAGGCCCCGCCCCCTCCCCACCAACATTGCCTCT-3'